The following is an entry in ClinVar:

NM_000273.3(GPR143):c.169C>T (p.Pro57Ser)

Gene: GPR143 (G protein-coupled receptor 143; minus strand). Cytogenetic location: Xp22.2.
Variant type: single nucleotide variant.
Coding change: c.169C>T on transcript NM_000273.3 (MANE Select); coding-DNA position 169, C replaced by T.
Protein change: p.Pro57Ser; replaces proline 57 with serine.
Molecular consequence: missense variant.
Genome position (GRCh38, 1-based): chrX:9,765,649, G>A on the plus strand (C>T on the coding strand, the complement: GPR143 is on the minus strand). VCF-style: chrX-9765649-G-A. GRCh37 (hg19) VCF-style: chrX-9733689-G-A.
Other names: c.169C>T, p.Pro57Ser (NM_001440781.1); short protein forms P57S.
Identifiers: ClinVar variation 4882260 (VCV004882260.2).

ClinVar aggregate classification (germline): Uncertain significance (1 of 4 stars; one submission).

Submission:

Dasa
Classification: Uncertain significance. Last evaluated: 2025-09-22. Review status: criteria provided, single submitter. Criteria: DASA Assertion Criteria. Collection method: clinical testing. Allele origin: germline.
Comment: NM_000273.3(GPR143):c.169C>T (p.Pro57Ser) is a missense variant that results in the substitution of proline with serine. This variant is rare in population databases. The currently available literature and clinical evidence are not sufficient to establish a definitive association between this variant and the reported condition. Therefore, this variant is classified as a variant of uncertain significance.